The following is an entry in ClinVar:

NM_030662.4(MAP2K2):c.1046+200C>T

Gene: MAP2K2 (mitogen-activated protein kinase kinase 2; minus strand). Cytogenetic location: 19p13.3.
Variant type: single nucleotide variant.
Coding change: c.1046+200C>T on transcript NM_030662.4 (MANE Select); 200 bases into the intron after coding-DNA position 1046, C replaced by T.
Molecular consequence: intron variant.
Genome position (GRCh38, 1-based): chr19:4,095,188, G>A on the plus strand (C>T on the coding strand, the complement: MAP2K2 is on the minus strand). VCF-style: chr19-4095188-G-A. GRCh37 (hg19) VCF-style: chr19-4095186-G-A.
Identifiers: ClinVar variation 561457 (VCV000561457.1), dbSNP rs116476767, ClinGen allele CA304447448.

ClinVar aggregate classification (germline): Likely benign (1 of 4 stars; one submission).

Allele frequency attached by ClinVar (database versions not stated): 1000 Genomes Project 30x 0.00734; 1000 Genomes Project 0.00759; gnomAD 0.00852 and 0.00928; TOPMed 0.00977.
gnomAD v4.1: 1,755 of 576,182 alleles (0.3%); highest among the groups gnomAD compares: African/African-American, 2.9%; 22 homozygotes.

Submission:

GeneDx
Classification: Likely benign. Last evaluated: 2018-06-16. Review status: criteria provided, single submitter. Criteria: GeneDx Variant Classification (06012015). Collection method: clinical testing. Allele origin: germline. Affected: yes.
Comment: This variant is considered likely benign or benign based on one or more of the following criteria: it is a conservative change, it occurs at a poorly conserved position in the protein, it is predicted to be benign by multiple in silico algorithms, and/or has population frequency not consistent with disease.